The following is an entry in ClinVar:

ClinVar aggregate classification (germline): Uncertain significance. Review status: criteria provided, multiple submitters, no conflicts (2 of 4 stars). 2 submissions from 2 submitters: Uncertain significance (2). Last evaluated 2023-12-20.

Allele frequency attached by ClinVar (database versions not stated): gnomAD exomes 0.00003 and 0.00004; ExAC 0.00005; TOPMed 0.00006; gnomAD 0.00008 and 0.00009; 1000 Genomes Project 30x 0.00016; 1000 Genomes Project 0.00020.
gnomAD v4.1: 76 of 1,608,972 alleles (0.0047%); highest among the groups gnomAD compares: Middle Eastern, 0.017%; no homozygotes.

Submissions (2):

Blueprint Genetics
Classification: Uncertain significance. Last evaluated: 2023-12-20. Review status: criteria provided, single submitter. Criteria: ACMG Guidelines, 2015. Collection method: clinical testing. Allele origin: germline.

Labcorp Genetics (formerly Invitae), Labcorp
Classification: Uncertain significance. Last evaluated: 2022-10-25. Review status: criteria provided, single submitter. Criteria: Invitae Variant Classification Sherloc (09022015). Collection method: clinical testing. Allele origin: germline.
Comment: This sequence change replaces alanine, which is neutral and non-polar, with threonine, which is neutral and polar, at codon 378 of the GPR179 protein (p.Ala378Thr). This variant is present in population databases (rs141091055, gnomAD 0.01%). This variant has not been reported in the literature in individuals affected with GPR179-related conditions. ClinVar contains an entry for this variant (Variation ID: 1509518). Algorithms developed to predict the effect of missense changes on protein structure and function (SIFT, PolyPhen-2, Align-GVGD) all suggest that this variant is likely to be tolerated. In summary, the available evidence is currently insufficient to determine the role of this variant in disease. Therefore, it has been classified as a Variant of Uncertain Significance.

NM_001004334.4(GPR179):c.1132G>A (p.Ala378Thr)

Gene: GPR179 (G protein-coupled receptor 179; minus strand). Cytogenetic location: 17q12.
Variant type: single nucleotide variant.
Coding change: c.1132G>A on transcript NM_001004334.4 (MANE Select); coding-DNA position 1132, G replaced by A.
Protein change: p.Ala378Thr; replaces alanine 378 with threonine.
Molecular consequence: missense variant.
Genome position (GRCh38, 1-based): chr17:38,337,073, C>T on the plus strand (G>A on the coding strand, the complement: GPR179 is on the minus strand). VCF-style: chr17-38337073-C-T. GRCh37 (hg19) VCF-style: chr17-36492956-C-T.
Other names: short protein forms A378T.
Identifiers: ClinVar variation 1509518 (VCV001509518.4), dbSNP rs141091055, ClinGen allele CA290109368.